The following is an entry in ClinVar:

ClinVar aggregate classification (germline): Conflicting classifications of pathogenicity. Review status: criteria provided, conflicting classifications (1 of 4 stars). 4 submissions from 4 submitters: Uncertain significance (2); Likely benign (1). 1 of the submissions does not count toward it. Last evaluated 2025-04-29.

Conditions:
Inborn genetic diseases. Identifiers: MedGen C0950123, MeSH D030342.
Myelodysplastic syndrome (MDS). Also called: Myelodysplastic syndrome, somatic; Myelodysplastic syndromes; MYELODYSPLASTIC SYNDROME, SUSCEPTIBILITY TO. Identifiers: Orphanet 52688, MedGen C3463824, MeSH D009190, MONDO:0018881, OMIM 614286.

Allele frequency attached by ClinVar (database versions not stated): ExAC 0.00002; gnomAD 0.00003; gnomAD exomes 0.00004; TOPMed 0.00006; 1000 Genomes Project 30x 0.00016; 1000 Genomes Project 0.00020.
gnomAD v4.1: 66 of 1,613,894 alleles (0.0041%); highest among the groups gnomAD compares: Middle Eastern, 0.066%; no homozygotes.

Submissions (4):

GeneDx
Classification: Uncertain significance. Last evaluated: 2025-04-29. Review status: criteria provided, single submitter. Criteria: GeneDx Variant Classification Process June 2021. Collection method: clinical testing. Allele origin: germline.
Comment: In silico analysis indicates that this missense variant does not alter protein structure/function; Observed in the germline of a patient with pediatric myelodysplastic syndrome, as well as in the unaffected siblings and mother of the proband (PMID: 37160314); This variant is associated with the following publications: (PMID: 30046003, 37160314)

Labcorp Genetics (formerly Invitae), Labcorp
Classification: Uncertain significance. Last evaluated: 2024-11-18. Review status: criteria provided, single submitter. Criteria: Invitae Variant Classification Sherloc (09022015). Collection method: clinical testing. Allele origin: germline.
Comment: This sequence change replaces lysine, which is basic and polar, with arginine, which is basic and polar, at codon 1487 of the SAMD9 protein (p.Lys1487Arg). This variant is present in population databases (rs556478940, gnomAD 0.01%). This missense change has been observed in individual(s) with clinical features of SAMD9-related conditions (PMID: 37160314). ClinVar contains an entry for this variant (Variation ID: 1727220). Invitae Evidence Modeling of protein sequence and biophysical properties (such as structural, functional, and spatial information, amino acid conservation, physicochemical variation, residue mobility, and thermodynamic stability) indicates that this missense variant is not expected to disrupt SAMD9 protein function with a negative predictive value of 95%. In summary, the available evidence is currently insufficient to determine the role of this variant in disease. Therefore, it has been classified as a Variant of Uncertain Significance.

Ambry Genetics
Classification: Likely benign for Inborn genetic diseases. Last evaluated: 2023-02-16. Review status: criteria provided, single submitter. Criteria: Ambry Variant Classification Scheme 2023. Collection method: clinical testing. Allele origin: germline.

Pediatric Hematology-Oncology, Riley Hospital for Children
Classification: Uncertain significance for Myelodysplastic Syndrome. Review status: no assertion criteria provided. Collection method: provider interpretation. Allele origin: maternal. Affected: yes. Observed: 1 heterozygote. Not counted in ClinVar's aggregate classification.

Literature cited by the submitters: PubMed 37160314 (cited by Labcorp Genetics (formerly Invitae), Labcorp); PubMed 30046003 (cited by Pediatric Hematology-Oncology, Riley Hospital for Children).

NM_017654.4(SAMD9):c.4460A>G (p.Lys1487Arg)

Gene: SAMD9 (sterile alpha motif domain containing 9; minus strand). Cytogenetic location: 7q21.2.
Variant type: single nucleotide variant.
Coding change: c.4460A>G on transcript NM_017654.4 (MANE Select); coding-DNA position 4460, A replaced by G.
Protein change: p.Lys1487Arg; replaces lysine 1487 with arginine.
Molecular consequence: missense variant.
Genome position (GRCh38, 1-based): chr7:93,101,638, T>C on the plus strand (A>G on the coding strand, the complement: SAMD9 is on the minus strand). VCF-style: chr7-93101638-T-C. GRCh37 (hg19) VCF-style: chr7-92730951-T-C.
Other names: c.4460A>G, p.Lys1487Arg (NM_001193307.2); short protein forms K1487R.
Identifiers: ClinVar variation 1727220 (VCV001727220.10), dbSNP rs556478940, ClinGen allele CA4342547.